The following is an entry in ClinVar:

NM_004366.6(CLCN2):c.2036C>T (p.Thr679Ile)

Gene: CLCN2 (chloride voltage-gated channel 2; minus strand). Cytogenetic location: 3q27.1.
Variant type: single nucleotide variant.
Coding change: c.2036C>T on transcript NM_004366.6 (MANE Select); coding-DNA position 2036, C replaced by T.
Protein change: p.Thr679Ile; replaces threonine 679 with isoleucine.
Molecular consequence: missense variant.
Genome position (GRCh38, 1-based): chr3:184,353,140, G>A on the plus strand (C>T on the coding strand, the complement: CLCN2 is on the minus strand). VCF-style: chr3-184353140-G-A. GRCh37 (hg19) VCF-style: chr3-184070928-G-A.
Other names: c.1985C>T, p.Thr662Ile (NM_001171087.3); c.1904C>T, p.Thr635Ile (NM_001171088.3); c.2036C>T, p.Thr679Ile (NM_001171089.3); short protein forms T635I, T662I, T679I.
Identifiers: ClinVar variation 1964374 (VCV001964374.5), dbSNP rs375351863, ClinGen allele CA2733884.
Genomic context (GRCh38, chr3:184,353,140, plus strand): 5'-AGTGCAGGCTTTAGGGGCTTGTGGGTCTCCCCCCGGGCTGCTGGGAAGGCTGAGTCTTCT[G>A]TGTTCACCTGCATAGGCAGGAAGGGGCTGGTGAGGCCACGGCCCCAGACCACCCTCCCAA-3'
Protein context (NP_004357.3, residues 669-689): PEASVCFQVN[Thr679Ile]EDSAFPAARG

ClinVar aggregate classification (germline): Uncertain significance (1 of 4 stars; one submission).

Allele frequency attached by ClinVar (database versions not stated): TOPMed 0.00003; ESP Exome Variant Server 0.00008; ExAC 0.00001; gnomAD 0.00003.
gnomAD v4.1: 6 of 1,614,038 alleles (0.00037%); highest among the groups gnomAD compares: African/African-American, 0.0067%; no homozygotes.

Submission:

Labcorp Genetics (formerly Invitae), Labcorp
Classification: Uncertain significance. Last evaluated: 2025-02-10. Review status: criteria provided, single submitter. Criteria: Invitae Variant Classification Sherloc (09022015). Collection method: clinical testing. Allele origin: germline.
Comment: This sequence change replaces threonine, which is neutral and polar, with isoleucine, which is neutral and non-polar, at codon 679 of the CLCN2 protein (p.Thr679Ile). This variant is present in population databases (rs375351863, gnomAD 0.01%). This variant has not been reported in the literature in individuals affected with CLCN2-related conditions. ClinVar contains an entry for this variant (Variation ID: 1964374). Invitae Evidence Modeling of protein sequence and biophysical properties (such as structural, functional, and spatial information, amino acid conservation, physicochemical variation, residue mobility, and thermodynamic stability) indicates that this missense variant is not expected to disrupt CLCN2 protein function with a negative predictive value of 80%. In summary, the available evidence is currently insufficient to determine the role of this variant in disease. Therefore, it has been classified as a Variant of Uncertain Significance.